The following is an entry in ClinVar:

NM_005869.4(CWC27):c.143A>G (p.Tyr48Cys)

Gene: CWC27 (CWC27 spliceosome associated cyclophilin; plus strand). Cytogenetic location: 5q12.3.
Variant type: single nucleotide variant.
Coding change: c.143A>G on transcript NM_005869.4 (MANE Select); coding-DNA position 143, A replaced by G.
Protein change: p.Tyr48Cys; replaces tyrosine 48 with cysteine.
Molecular consequence: missense variant.
Genome position (GRCh38, 1-based): chr5:64,781,924, A>G. VCF-style: chr5-64781924-A-G. GRCh37 (hg19) VCF-style: chr5-64077751-A-G.
Other names: c.143A>G (NM_005869.2, NM_005869.3); c.143A>G, p.Tyr48Cys (NM_001297644.1, NM_001297645.2, NM_001318000.2 and 1 more transcripts); short protein forms Y48C.
Identifiers: ClinVar variation 1010981 (VCV001010981.11), dbSNP rs370593428, ClinGen allele CA3281862.

ClinVar aggregate classification (germline): Uncertain significance. Review status: criteria provided, multiple submitters, no conflicts (2 of 4 stars). 5 submissions from 5 submitters: Uncertain significance (4). 1 of the submissions does not count toward it. Last evaluated 2025-10-20.

Conditions:
Retinal dystrophy. Also called: Inherited retinal dystrophy. Identifiers: Orphanet 71862, MedGen C0854723, MeSH D058499, MONDO:0019118, HP:0000556.
CWC27-related disorder. Also called: CWC27-related condition.
Inborn genetic diseases. Identifiers: MedGen C0950123, MeSH D030342.

Allele frequency attached by ClinVar (database versions not stated): 1000 Genomes Project 0.00020; ESP Exome Variant Server 0.00008; gnomAD 0.00010 and 0.00011; ExAC 0.00011; TOPMed 0.00013; 1000 Genomes Project 30x 0.00016.
gnomAD v4.1: 352 of 1,527,086 alleles (0.023%); highest among the groups gnomAD compares: Non-Finnish European, 0.029%; 1 homozygote.

Submissions (6):

PreventionGenetics, part of Exact Sciences
Classification: Uncertain significance for CWC27-related condition. Last evaluated: 2025-10-20. Review status: criteria provided, single submitter. Criteria: ACMG Guidelines, 2015. Collection method: clinical testing. Allele origin: germline.
Comment: The CWC27 c.143A>G variant is predicted to result in the amino acid substitution p.Tyr48Cys. To our knowledge, this variant has not been reported in the literature. This variant is reported in 0.024% of alleles in individuals of European (Non-Finnish) descent in gnomAD. At this time, the clinical significance of this variant is uncertain due to the absence of conclusive functional and genetic evidence.

Labcorp Genetics (formerly Invitae), Labcorp
Classification: Uncertain significance. Last evaluated: 2025-01-06. Review status: criteria provided, single submitter. Criteria: Invitae Variant Classification Sherloc (09022015). Collection method: clinical testing. Allele origin: germline.
Comment: This sequence change replaces tyrosine, which is neutral and polar, with cysteine, which is neutral and slightly polar, at codon 48 of the CWC27 protein (p.Tyr48Cys). This variant is present in population databases (rs370593428, gnomAD 0.03%). This variant has not been reported in the literature in individuals affected with CWC27-related conditions. ClinVar contains an entry for this variant (Variation ID: 1010981). An algorithm developed to predict the effect of missense changes on protein structure and function (PolyPhen-2) suggests that this variant is likely to be disruptive. In summary, the available evidence is currently insufficient to determine the role of this variant in disease. Therefore, it has been classified as a Variant of Uncertain Significance.

Blueprint Genetics
Classification: Uncertain significance. Last evaluated: 2023-11-23. Review status: criteria provided, single submitter. Criteria: ACMG Guidelines, 2015. Collection method: clinical testing. Allele origin: germline.

Ambry Genetics
Classification: Uncertain significance for Inborn genetic diseases. Last evaluated: 2021-06-18. Review status: criteria provided, single submitter. Criteria: Ambry Variant Classification Scheme 2023. Collection method: clinical testing. Allele origin: germline.

Institute of Human Genetics, Univ. Regensburg, Univ. Regensburg
Classification: Uncertain significance for Retinal dystrophy. Last evaluated: 2019-01-01. Review status: no assertion criteria provided. Criteria: ACMG Guidelines, 2015. Collection method: clinical testing. Allele origin: germline. Affected: yes. Not counted in ClinVar's aggregate classification.

Dr. Peter K. Rogan Lab, Western University
No classification provided (evidence only). Condition: Ovarian serous cystadenocarcinoma. Review status: no classification provided. Collection method: in vitro. Allele origin: not applicable. Functional consequence: retained intron. Not counted in ClinVar's aggregate classification.